The following is an entry in ClinVar:

ClinVar aggregate classification (germline): Uncertain significance (1 of 4 stars; one submission).

Conditions:
Charcot-Marie-Tooth disease axonal type 2O. Also called: CHARCOT-MARIE-TOOTH NEUROPATHY, AXONAL, TYPE 2O; CHARCOT-MARIE-TOOTH DISEASE, AXONAL, AUTOSOMAL DOMINANT, TYPE 2O; Charcot-Marie-Tooth Neuropathy Type 2O; Charcot-Marie-Tooth disease, axonal, type 20. Identifiers: Orphanet 284232, MedGen C3280220, MONDO:0013644, OMIM 614228.

Submission:

Labcorp Genetics (formerly Invitae), Labcorp
Classification: Uncertain significance for Charcot-Marie-Tooth disease axonal type 2O. Last evaluated: 2025-11-24. Review status: criteria provided, single submitter. Criteria: Invitae Variant Classification Sherloc (09022015). Collection method: clinical testing. Allele origin: germline.
Comment: This sequence change replaces asparagine, which is neutral and polar, with threonine, which is neutral and polar, at codon 3069 of the DYNC1H1 protein (p.Asn3069Thr). This variant is not present in population databases (gnomAD no frequency). This variant has not been reported in the literature in individuals affected with DYNC1H1-related conditions. Invitae Evidence Modeling of protein sequence and biophysical properties (such as structural, functional, and spatial information, amino acid conservation, physicochemical variation, residue mobility, and thermodynamic stability) indicates that this missense variant is expected to disrupt DYNC1H1 protein function with a positive predictive value of 95%. In summary, the available evidence is currently insufficient to determine the role of this variant in disease. Therefore, it has been classified as a Variant of Uncertain Significance.

NM_001376.5(DYNC1H1):c.9206A>C (p.Asn3069Thr)

Genes: DYNC1H1 (dynein cytoplasmic 1 heavy chain 1; plus strand), LOC126862060 (BRD4-independent group 4 enhancer GRCh37_chr14:102493659-102494858; plus strand). Cytogenetic location: 14q32.31.
Variant type: single nucleotide variant.
Coding change: c.9206A>C on transcript NM_001376.5 (MANE Select); coding-DNA position 9206, A replaced by C.
Protein change: p.Asn3069Thr; replaces asparagine 3069 with threonine.
Molecular consequence: missense variant.
Genome position (GRCh38, 1-based): chr14:102,027,776, A>C. VCF-style: chr14-102027776-A-C. GRCh37 (hg19) VCF-style: chr14-102494113-A-C.
Other names: short protein forms N3069T.
Identifiers: ClinVar variation 4802071 (VCV004802071.1).
Genomic context (GRCh38, chr14:102,027,776, plus strand): 5'-AGCTCTACAAGTGGTTCACTAGCCAGGTTATCCGCAACCTCCACGTCGTGTTCACCATGA[A>C]CCCGTCCTCGGAGGGACTCAAGGACCGGGCAGCTACATCACCAGCACTTTTCAACAGGTA-3'
Protein context (NP_001367.2, residues 3059-3079): IRNLHVVFTM[Asn3069Thr]PSSEGLKDRA